The following is an entry in ClinVar:

NM_001243279.3(ACSF3):c.1310G>A (p.Trp437Ter)

Gene: ACSF3 (acyl-CoA synthetase family member 3; plus strand). Cytogenetic location: 16q24.3.
Variant type: single nucleotide variant.
Coding change: c.1310G>A on transcript NM_001243279.3 (MANE Select); coding-DNA position 1310, G replaced by A.
Protein change: p.Trp437Ter; replaces tryptophan 437 with a stop codon.
Molecular consequence: nonsense. On other transcripts: non-coding transcript variant (3).
Genome position (GRCh38, 1-based): chr16:89,133,206, G>A. VCF-style: chr16-89133206-G-A. GRCh37 (hg19) VCF-style: chr16-89199614-G-A.
Other names: c.1310G>A, p.Trp437Ter (NM_001127214.4, NM_174917.5); c.515G>A, p.Trp172Ter (NM_001284316.2); short protein forms W437*, W172*.
Identifiers: ClinVar variation 844844 (VCV000844844.13), dbSNP rs1243213118, ClinGen allele CA397145462.

ClinVar aggregate classification (germline): Pathogenic/Likely pathogenic. Review status: criteria provided, multiple submitters, no conflicts (2 of 4 stars). 5 submissions from 5 submitters: Pathogenic (2); Likely pathogenic (3). Last evaluated 2025-06-03.

Conditions:
Combined malonic and methylmalonic acidemia. Identifiers: Orphanet 289504, MedGen C3280314, MONDO:0013661, OMIM 614265.

Allele frequency attached by ClinVar (database versions not stated): gnomAD exomes 0.00001.
gnomAD v4.1: 6 of 1,614,140 alleles (0.00037%); highest among the groups gnomAD compares: Admixed American, 0.0033%; no homozygotes.

Submissions (5):

Labcorp Genetics (formerly Invitae), Labcorp
Classification: Pathogenic for Combined malonic and methylmalonic acidemia. Last evaluated: 2025-06-03. Review status: criteria provided, single submitter. Criteria: Invitae Variant Classification Sherloc (09022015). Collection method: clinical testing. Allele origin: germline.
Comment: This sequence change creates a premature translational stop signal (p.Trp437*) in the ACSF3 gene. It is expected to result in an absent or disrupted protein product. Loss-of-function variants in ACSF3 are known to be pathogenic (PMID: 21841779, 26827111). This variant is present in population databases (no rsID available, gnomAD 0.006%). This variant has not been reported in the literature in individuals affected with ACSF3-related conditions. ClinVar contains an entry for this variant (Variation ID: 844844). For these reasons, this variant has been classified as Pathogenic.

Natera, Inc.
Classification: Likely pathogenic for Combined malonic and methylmalonic aciduria. Last evaluated: 2024-10-06. Review status: criteria provided, single submitter. Criteria: Natera Variant Classification Schema (03/2026). Collection method: clinical testing. Allele origin: germline.
Comment: The c.1310G>A variant in ACSF3 is a nonsense variant predicted to introduce a stop codon at amino acid 437. This variant is expected to result in nonsense mediated decay, truncation, or a dysfunctional protein product. This variant is rare in the general population with a frequency below the threshold expected for the associated phenotype(s). Given the available evidence, this variant is classified as Likely Pathogenic.

Baylor Genetics
Classification: Likely pathogenic for Combined malonic and methylmalonic acidemia. Last evaluated: 2023-08-30. Review status: criteria provided, single submitter. Criteria: ACMG Guidelines, 2015. Collection method: clinical testing. Allele origin: unknown.

Revvity Omics, Revvity
Classification: Likely pathogenic for Combined malonic and methylmalonic acidemia. Last evaluated: 2023-02-05. Review status: criteria provided, single submitter. Criteria: ACMG Guidelines, 2015. Collection method: clinical testing. Allele origin: germline.

Genome-Nilou Lab
Classification: Pathogenic for Combined malonic and methylmalonic acidemia. Last evaluated: 2021-07-22. Review status: criteria provided, single submitter. Criteria: ACMG Guidelines, 2015. Collection method: clinical testing. Allele origin: germline. Affected: no.

Literature cited by the submitters: PubMed 21841779 (cited by Labcorp Genetics (formerly Invitae), Labcorp); PubMed 26827111 (cited by Labcorp Genetics (formerly Invitae), Labcorp).